The following is an entry in ClinVar:

ClinVar aggregate classification (germline): Uncertain significance (1 of 4 stars; one submission).

Conditions:
Aniridia 1 (AN1). Identifiers: Orphanet 250923, MedGen C0344542, MONDO:0024507, OMIM 106210.
Irido-corneo-trabecular dysgenesis (ASGD5). Also called: ANTERIOR SEGMENT DYSGENESIS 5. Identifiers: Orphanet 708, MedGen C0344559, MONDO:0011414, OMIM 604229, HP:0000659.

Allele frequency attached by ClinVar (database versions not stated): gnomAD exomes below 0.00001 and 0.00001; gnomAD 0.00001.
gnomAD v4.1: 6 of 1,613,962 alleles (0.00037%); highest among the groups gnomAD compares: Admixed American, 0.0017%; no homozygotes.

Submission:

Labcorp Genetics (formerly Invitae), Labcorp
Classification: Uncertain significance for Aniridia 1; Irido-corneo-trabecular dysgenesis. Last evaluated: 2025-02-03. Review status: criteria provided, single submitter. Criteria: Invitae Variant Classification Sherloc (09022015). Collection method: clinical testing. Allele origin: germline.
Comment: This sequence change replaces serine, which is neutral and polar, with leucine, which is neutral and non-polar, at codon 363 of the PAX6 protein (p.Ser363Leu). This variant is present in population databases (no rsID available, gnomAD 0.01%). This variant has not been reported in the literature in individuals affected with PAX6-related conditions. ClinVar contains an entry for this variant (Variation ID: 1478650). Invitae Evidence Modeling of protein sequence and biophysical properties (such as structural, functional, and spatial information, amino acid conservation, physicochemical variation, residue mobility, and thermodynamic stability) indicates that this missense variant is not expected to disrupt PAX6 protein function with a negative predictive value of 95%. In summary, the available evidence is currently insufficient to determine the role of this variant in disease. Therefore, it has been classified as a Variant of Uncertain Significance.

NM_001368894.2(PAX6):c.1130C>T (p.Ser377Leu)

Gene: PAX6 (paired box 6; minus strand). Cytogenetic location: 11p13.
Variant type: single nucleotide variant.
Coding change: c.1130C>T on transcript NM_001368894.2 (MANE Select); coding-DNA position 1130, C replaced by T.
Protein change: p.Ser377Leu; replaces serine 377 with leucine.
Molecular consequence: missense variant. On other transcripts: non-coding transcript variant (1), intron variant (9).
Genome position (GRCh38, 1-based): chr11:31,790,805, G>A on the plus strand (C>T on the coding strand, the complement: PAX6 is on the minus strand). VCF-style: chr11-31790805-G-A. GRCh37 (hg19) VCF-style: chr11-31812353-G-A.
Other names: c.1088C>T, p.Ser363Leu (NM_000280.6, NM_001127612.3, NM_001258464.2 and 6 more transcripts); c.1130C>T, p.Ser377Leu (NM_001258462.3, NM_001258463.2, NM_001310158.2 and 3 more transcripts); c.680C>T, p.Ser227Leu (NM_001310160.2, NM_001310161.3, NM_001368899.2 and 10 more transcripts); c.1331C>T, p.Ser444Leu (NM_001368910.2); c.1205C>T, p.Ser402Leu (NM_001368918.2, NM_001368919.2); c.1163C>T, p.Ser388Leu (NM_001368920.2); c.929C>T, p.Ser310Leu (NM_001368922.2, NM_001368923.2, NM_001368924.2 and 3 more transcripts); c.887C>T, p.Ser296Leu (NM_001368928.2); and 6 more; short protein forms S227L, S162L, S388L, S402L, S363L, S377L, S296L, S310L.
Identifiers: ClinVar variation 1478650 (VCV001478650.6), dbSNP rs1411880763, ClinGen allele CA379967369.
Genomic context (GRCh38, chr11:31,790,805, plus strand): 5'-CTGTTCATGTGTGTCTGCATATGTGGGGGGGTGTAGGTATCATAACTCCGCCCATTCACC[G>A]AAGGGCTGGTGGGCAGCATGCAGGAGTATGAGGAGGTCTGGCTGGGGACTGGGGGCTGTG-3'
Protein context (NP_001355823.1, residues 367-387): SYSCMLPTSP[Ser377Leu]VNGRSYDTYT